The following is an entry in ClinVar:

ClinVar aggregate classification (germline): Likely benign. Review status: criteria provided, multiple submitters, no conflicts (2 of 4 stars). 2 submissions from 2 submitters: Likely benign (2). Last evaluated 2026-06-01.

Conditions:
Early-infantile DEE. Also called: Ohtahara syndrome; Early infantile epileptic encephalopathy; Early infantile epileptic encephalopathy with suppression bursts. Identifiers: Orphanet 1934, MedGen C0393706, MONDO:0800491.

Allele frequency attached by ClinVar (database versions not stated): 1000 Genomes Project 30x 0.00031; 1000 Genomes Project 0.00040.
gnomAD v4.1: 50 of 1,614,096 alleles (0.0031%); highest among the groups gnomAD compares: East Asian, 0.04%; no homozygotes.

Submissions (2):

CeGaT Center for Human Genetics Tuebingen
Classification: Likely benign. Last evaluated: 2026-06-01. Review status: criteria provided, single submitter. Criteria: CeGaT Center For Human Genetics Tuebingen Variant Classification Criteria Version 2. Collection method: clinical testing. Allele origin: germline. Affected: yes. Observed: 1 variant allele.
Comment: KCNH5: BP4, BP7

Labcorp Genetics (formerly Invitae), Labcorp
Classification: Likely benign for Early-infantile DEE. Last evaluated: 2025-10-02. Review status: criteria provided, single submitter. Criteria: Invitae Variant Classification Sherloc (09022015). Collection method: clinical testing. Allele origin: germline.

NM_139318.5(KCNH5):c.1680C>T (p.Arg560=)

Gene: KCNH5 (potassium voltage-gated channel subfamily H member 5; minus strand). Cytogenetic location: 14q23.2.
Variant type: single nucleotide variant.
Coding change: c.1680C>T on transcript NM_139318.5 (MANE Select); coding-DNA position 1680, C replaced by T.
Protein change: p.Arg560=; no amino-acid change (arginine 560 retained).
Molecular consequence: synonymous variant.
Genome position (GRCh38, 1-based): chr14:62,802,471, G>A on the plus strand (C>T on the coding strand, the complement: KCNH5 is on the minus strand). VCF-style: chr14-62802471-G-A. GRCh37 (hg19) VCF-style: chr14-63269189-G-A.
Other names: c.1680C>T, p.Arg560= (NM_172375.3).
Identifiers: ClinVar variation 1152877 (VCV001152877.12), dbSNP rs114074278, ClinGen allele CA7217423.